The following is an entry in ClinVar:

NM_001089.3(ABCA3):c.3137C>T (p.Ala1046Val)

Gene: ABCA3 (ATP binding cassette subfamily A member 3; minus strand). Cytogenetic location: 16p13.3.
Variant type: single nucleotide variant.
Coding change: c.3137C>T on transcript NM_001089.3 (MANE Select); coding-DNA position 3137, C replaced by T.
Protein change: p.Ala1046Val; replaces alanine 1046 with valine.
Molecular consequence: missense variant.
Genome position (GRCh38, 1-based): chr16:2,286,835, G>A on the plus strand (C>T on the coding strand, the complement: ABCA3 is on the minus strand). VCF-style: chr16-2286835-G-A. GRCh37 (hg19) VCF-style: chr16-2336836-G-A.
Other names: short protein forms A1046V.
Identifiers: ClinVar variation 3366688 (VCV003366688.1).
Genomic context (GRCh38, chr16:2,286,835, plus strand): 5'-CACAGCAGCTTGAACAGAAGGTTGTCCACGACGGCCAGGGCAGTGGCTGGAGAGTGGTAC[G>A]CCTGGTTGTTGAACAAGGCGTTGACGACCGTGCGCTCTCCCACATCTCTGAAGGACGCTG-3'
Protein context (NP_001080.2, residues 1036-1056): TVVNALFNNQ[Ala1046Val]YHSPATALAV

ClinVar aggregate classification (germline): Uncertain significance (1 of 4 stars; one submission).

Submission:

Women's Health and Genetics/Laboratory Corporation of America, LabCorp
Classification: Uncertain significance. Last evaluated: 2024-08-21. Review status: criteria provided, single submitter. Criteria: LabCorp Variant Classification Summary - May 2015. Collection method: clinical testing. Allele origin: germline.
Comment: Variant summary: ABCA3 c.3137C>T (p.Ala1046Val) results in a non-conservative amino acid change located in the ABC-2 type transporter, transmembrane domain (IPR013525) of the encoded protein sequence. Five of five in-silico tools predict a damaging effect of the variant on protein function. The variant allele was found at a frequency of 4e-06 in 251362 control chromosomes. The available data on variant occurrences in the general population are insufficient to allow any conclusion about variant significance. c.3137C>T has been reported in the literature in at-least one individual affected with Pulmonary surfactant metabolism dysfunction (example: Yin_2021) . These data do not allow any conclusion about variant significance. To our knowledge, no experimental evidence demonstrating an impact on protein function has been reported. The following publication has been ascertained in the context of this evaluation (PMID: 33839547). No submitters have cited clinical-significance assessments for this variant to ClinVar. Based on the evidence outlined above, the variant was classified as uncertain significance.

Literature cited by the submitters: PubMed 33839547.